The following is an entry in ClinVar:

NM_052947.4(ALPK2):c.3826C>G (p.Pro1276Ala)

Genes: ALPK2 (alpha kinase 2; minus strand), LOC126862764 (BRD4-independent group 4 enhancer GRCh37_chr18:56202574-56203773; plus strand). Cytogenetic location: 18q21.31.
Variant type: single nucleotide variant.
Coding change: c.3826C>G on transcript NM_052947.4 (MANE Select); coding-DNA position 3826, C replaced by G.
Protein change: p.Pro1276Ala; replaces proline 1276 with alanine.
Molecular consequence: missense variant.
Genome position (GRCh38, 1-based): chr18:58,536,361, G>C on the plus strand (C>G on the coding strand, the complement: ALPK2 is on the minus strand). VCF-style: chr18-58536361-G-C. GRCh37 (hg19) VCF-style: chr18-56203593-G-C.
Other names: short protein forms P1276A.
Identifiers: ClinVar variation 1735300 (VCV001735300.2), dbSNP rs2051647591, ClinGen allele CA402565453.

ClinVar aggregate classification (germline): Uncertain significance (1 of 4 stars; one submission).

Allele frequency attached by ClinVar (database versions not stated): TOPMed 0.00001.
gnomAD v4.1: 1 of 1,614,166 alleles (0.000062%); highest among the groups gnomAD compares: Non-Finnish European, 0.000085%; no homozygotes.

Submission:

Ambry Genetics
Classification: Uncertain significance. Last evaluated: 2021-12-20. Review status: criteria provided, single submitter. Criteria: Ambry Variant Classification Scheme 2023. Collection method: clinical testing. Allele origin: germline.
Comment: The p.P1276A variant (also known as c.3826C>G), located in coding exon 4 of the ALPK2 gene, results from a C to G substitution at nucleotide position 3826. The proline at codon 1276 is replaced by alanine, an amino acid with highly similar properties. This amino acid position is conserved. In addition, this alteration is predicted to be tolerated by in silico analysis. Since supporting evidence is limited at this time, the clinical significance of this alteration remains unclear.